The following is an entry in ClinVar:

ClinVar aggregate classification (germline): Uncertain significance (1 of 4 stars; one submission).

gnomAD v4.1: 293 of 1,201,428 alleles (0.024%); highest among the groups gnomAD compares: Admixed American, 0.055%; 1 homozygote.

Submission:

Dasa
Classification: Uncertain significance. Last evaluated: 2026-01-16. Review status: criteria provided, single submitter. Criteria: DASA Assertion Criteria. Collection method: clinical testing. Allele origin: germline.
Comment: NM_018196.4(TMLHE):c.220G>A (p.Val74Ile) is a missense variant that results in the substitution of valine with isoleucine. This variant is rare in population databases. The currently available literature and clinical evidence are not sufficient to establish a definitive association between this variant and the reported condition. Therefore, this variant is classified as a variant of uncertain significance.

NM_018196.4(TMLHE):c.220G>A (p.Val74Ile)

Gene: TMLHE (trimethyllysine hydroxylase, epsilon; minus strand). Cytogenetic location: Xq28.
Variant type: single nucleotide variant.
Coding change: c.220G>A on transcript NM_018196.4 (MANE Select); coding-DNA position 220, G replaced by A.
Protein change: p.Val74Ile; replaces valine 74 with isoleucine.
Molecular consequence: missense variant.
Genome position (GRCh38, 1-based): chrX:155,524,594, C>T on the plus strand (G>A on the coding strand, the complement: TMLHE is on the minus strand). VCF-style: chrX-155524594-C-T. GRCh37 (hg19) VCF-style: chrX-154754255-C-T.
Other names: c.220G>A, p.Val74Ile (NM_001184797.2); short protein forms V74I.
Identifiers: ClinVar variation 4882445 (VCV004882445.2).
Genomic context (GRCh38, chrX:155,524,594, plus strand): 5'-TGCGCTGGTGAGTCTTAGAGTTGTAGCACGATGCTGAGCGGCAGTGGTCTCGAAGCCAGA[C>T]GTAATCAAAGCGCATCACGGTATTAGCATATTTCAGCTCTAGGGAAAAGATCACATTTAT-3'
Protein context (NP_060666.1, residues 64-84): YANTVMRFDY[Val74Ile]WLRDHCRSAS